The following is an entry in ClinVar:

NM_020297.4(ABCC9):c.2672T>C (p.Leu891Pro)

Gene: ABCC9 (ATP binding cassette subfamily C member 9; minus strand). Cytogenetic location: 12p12.1.
Variant type: single nucleotide variant.
Coding change: c.2672T>C on transcript NM_020297.4 (MANE Select); coding-DNA position 2672, T replaced by C.
Protein change: p.Leu891Pro; replaces leucine 891 with proline.
Molecular consequence: missense variant.
Genome position (GRCh38, 1-based): chr12:21,852,194, A>G on the plus strand (T>C on the coding strand, the complement: ABCC9 is on the minus strand). VCF-style: chr12-21852194-A-G. GRCh37 (hg19) VCF-style: chr12-22005128-A-G.
Other names: c.2672T>C, p.Leu891Pro (NM_001377273.1, NM_005691.4); c.1805T>C, p.Leu602Pro (NM_001377274.1); short protein forms L602P, L891P.
Identifiers: ClinVar variation 3683566 (VCV003683566.2).
Genomic context (GRCh38, chr12:21,852,194, plus strand): 5'-TTCCAGTGTTCATAAAGCTCAACATCTTTGGTTTGAATGTCCTTCAAAGTTCCTTCTCTT[A>G]GGACACTTCCATCTTTCATGGCTATGATCTAAGGAAAGCGGATATTCCCAGAAATGTGAC-3'
Protein context (NP_064693.2, residues 881-901): WIIAMKDGSV[Leu891Pro]REGTLKDIQT

ClinVar aggregate classification (germline): Uncertain significance (1 of 4 stars; one submission).

Conditions:
Dilated cardiomyopathy 1O (CMD1O). Also called: CARDIOMYOPATHY, DILATED, WITH VENTRICULAR TACHYCARDIA. Identifiers: Orphanet 154, MedGen C1837839, MONDO:0012062, OMIM 608569.

Submission:

Labcorp Genetics (formerly Invitae), Labcorp
Classification: Uncertain significance for Dilated cardiomyopathy 1O. Last evaluated: 2024-03-27. Review status: criteria provided, single submitter. Criteria: Invitae Variant Classification Sherloc (09022015). Collection method: clinical testing. Allele origin: germline.
Comment: This sequence change replaces leucine, which is neutral and non-polar, with proline, which is neutral and non-polar, at codon 891 of the ABCC9 protein (p.Leu891Pro). This variant is not present in population databases (gnomAD no frequency). This variant has not been reported in the literature in individuals affected with ABCC9-related conditions. Advanced modeling of protein sequence and biophysical properties (such as structural, functional, and spatial information, amino acid conservation, physicochemical variation, residue mobility, and thermodynamic stability) performed at Invitae indicates that this missense variant is not expected to disrupt ABCC9 protein function with a negative predictive value of 80%. In summary, the available evidence is currently insufficient to determine the role of this variant in disease. Therefore, it has been classified as a Variant of Uncertain Significance.